The following is an entry in ClinVar:

ClinVar aggregate classification (germline): Uncertain significance. Review status: criteria provided, multiple submitters, no conflicts (2 of 4 stars). 3 submissions from 3 submitters: Uncertain significance (3). Last evaluated 2025-12-02.

Conditions:
Inborn genetic diseases. Identifiers: MedGen C0950123, MeSH D030342.

gnomAD v4.1: 96 of 1,613,840 alleles (0.0059%); highest among the groups gnomAD compares: Middle Eastern, 0.033%; no homozygotes.

Submissions (3):

Ambry Genetics
Classification: Uncertain significance for Inborn genetic diseases. Last evaluated: 2025-12-02. Review status: criteria provided, single submitter. Criteria: Ambry Variant Classification Scheme 2023. Collection method: clinical testing. Allele origin: germline.

GeneDx
Classification: Uncertain significance. Last evaluated: 2024-12-14. Review status: criteria provided, single submitter. Criteria: GeneDx Variant Classification Process June 2021. Collection method: clinical testing. Allele origin: germline. Affected: yes.
Comment: In silico analysis indicates that this missense variant does not alter protein structure/function; Has not been previously published as pathogenic or benign to our knowledge

Labcorp Genetics (formerly Invitae), Labcorp
Classification: Uncertain significance. Last evaluated: 2024-10-24. Review status: criteria provided, single submitter. Criteria: Invitae Variant Classification Sherloc (09022015). Collection method: clinical testing. Allele origin: germline.
Comment: This sequence change replaces arginine, which is basic and polar, with proline, which is neutral and non-polar, at codon 31 of the ANK3 protein (p.Arg31Pro). This variant is present in population databases (rs141511303, gnomAD 0.02%). This variant has not been reported in the literature in individuals affected with ANK3-related conditions. ClinVar contains an entry for this variant (Variation ID: 1514004). An algorithm developed to predict the effect of missense changes on protein structure and function (PolyPhen-2) suggests that this variant is likely to be disruptive. In summary, the available evidence is currently insufficient to determine the role of this variant in disease. Therefore, it has been classified as a Variant of Uncertain Significance.

NM_020987.5(ANK3):c.92G>C (p.Arg31Pro)

Gene: ANK3 (ankyrin 3; minus strand). Cytogenetic location: 10q21.2.
Variant type: single nucleotide variant.
Coding change: c.92G>C on transcript NM_020987.5 (MANE Select); coding-DNA position 92, G replaced by C.
Protein change: p.Arg31Pro; replaces arginine 31 with proline.
Molecular consequence: missense variant. On other transcripts: intron variant (2).
Genome position (GRCh38, 1-based): chr10:60,389,447, C>G on the plus strand (G>C on the coding strand, the complement: ANK3 is on the minus strand). VCF-style: chr10-60389447-C-G. GRCh37 (hg19) VCF-style: chr10-62149205-C-G.
Other names: c.92G>C (NM_020987.3); c.92G>C, p.Arg31Pro (NM_001320874.2); c.97-109808G>C (NM_001204403.2); c.64-109808G>C (NM_001204404.2); short protein forms R31P.
Identifiers: ClinVar variation 1514004 (VCV001514004.7), dbSNP rs141511303, ClinGen allele CA5513551.